The following is an entry in ClinVar:

ClinVar aggregate classification (germline): Pathogenic (1 of 4 stars; one submission).

Submission:

GeneDx
Classification: Pathogenic. Last evaluated: 2025-04-07. Review status: criteria provided, single submitter. Criteria: GeneDx Variant Classification Process June 2021. Collection method: clinical testing. Allele origin: germline. Affected: yes.
Comment: Not observed at significant frequency in large population cohorts (gnomAD); In silico analysis supports that this missense variant has a deleterious effect on protein structure/function; This variant is associated with the following publications: (PMID: 40054801, 36318112)

NM_002235.5(KCNA6):c.1366G>C (p.Val456Leu)

Genes: KCNA6 (potassium voltage-gated channel subfamily A member 6; plus strand), KCNA6-AS1 (KCNA6 antisense RNA 1; minus strand). Cytogenetic location: 12p13.32.
Variant type: single nucleotide variant.
Coding change: c.1366G>C on transcript NM_002235.5 (MANE Select); coding-DNA position 1366, G replaced by C.
Protein change: p.Val456Leu; replaces valine 456 with leucine.
Molecular consequence: missense variant. On other transcripts: non-coding transcript variant (3).
Genome position (GRCh38, 1-based): chr12:4,811,407, G>C. VCF-style: chr12-4811407-G-C. GRCh37 (hg19) VCF-style: chr12-4920573-G-C.
Other names: short protein forms V456L.
Identifiers: ClinVar variation 4282460 (VCV004282460.1).